The following is an entry in ClinVar:

NM_015662.3(IFT172):c.3907C>A (p.Arg1303=)

Genes: IFT172 (intraflagellar transport 172; minus strand), LOC126806173 (BRD4-independent group 4 enhancer GRCh37_chr2:27676057-27677256; plus strand). Cytogenetic location: 2p23.3.
Variant type: single nucleotide variant.
Coding change: c.3907C>A on transcript NM_015662.3 (MANE Select); coding-DNA position 3907, C replaced by A.
Protein change: p.Arg1303=; no amino-acid change (arginine 1303 retained).
Molecular consequence: synonymous variant.
Genome position (GRCh38, 1-based): chr2:27,453,428, G>T on the plus strand (C>A on the coding strand, the complement: IFT172 is on the minus strand). VCF-style: chr2-27453428-G-T. GRCh37 (hg19) VCF-style: chr2-27676295-G-T.
Other names: c.3841C>A, p.Arg1281= (NM_001410739.1).
Identifiers: ClinVar variation 4992087 (VCV004992087.1).

ClinVar aggregate classification (germline): Likely benign (1 of 4 stars; one submission).

Conditions:
IFT172-related disorder. Also called: IFT172-related disorders; IFT172-related condition.

gnomAD v4.1: 1 of 1,614,046 alleles (0.000062%); highest among the groups gnomAD compares: African/African-American, 0.0013%; no homozygotes.

Submission:

PreventionGenetics, part of Exact Sciences
Classification: Likely benign for IFT172-related condition. Last evaluated: 2026-06-25. Review status: criteria provided, single submitter. Criteria: ACMG Guidelines, 2015. Collection method: clinical testing. Allele origin: germline.
Comment: This variant is classified as likely benign based on ACMG/AMP sequence variant interpretation guidelines (Richards et al. 2015 PMID: 25741868, with internal and published modifications).